The following is an entry in ClinVar:

NM_178172.6(GPIHBP1):c.394C>T (p.Gln132Ter)

Gene: GPIHBP1 (glycosylphosphatidylinositol anchored high density lipoprotein binding protein 1; plus strand). Cytogenetic location: 8q24.3.
Variant type: single nucleotide variant.
Coding change: c.394C>T on transcript NM_178172.6 (MANE Select); coding-DNA position 394, C replaced by T.
Protein change: p.Gln132Ter; replaces glutamine 132 with a stop codon.
Molecular consequence: nonsense. On other transcripts: intron variant (1).
Genome position (GRCh38, 1-based): chr8:143,215,357, C>T. VCF-style: chr8-143215357-C-T. GRCh37 (hg19) VCF-style: chr8-144297232-C-T.
Other names: c.375+19C>T (NM_001301772.2); short protein forms Q132*.
Identifiers: ClinVar variation 3709095 (VCV003709095.2).

ClinVar aggregate classification (germline): Uncertain significance (1 of 4 stars; one submission).

gnomAD v4.1: 3 of 1,612,918 alleles (0.00019%); highest among the groups gnomAD compares: South Asian, 0.0033%; no homozygotes.

Submission:

Labcorp Genetics (formerly Invitae), Labcorp
Classification: Uncertain significance. Last evaluated: 2024-10-09. Review status: criteria provided, single submitter. Criteria: Invitae Variant Classification Sherloc (09022015). Collection method: clinical testing. Allele origin: germline.
Comment: This sequence change creates a premature translational stop signal (p.Gln132*) in the GPIHBP1 gene. While this is not anticipated to result in nonsense mediated decay, it is expected to disrupt the last 53 amino acid(s) of the GPIHBP1 protein. This variant is not present in population databases (gnomAD no frequency). This premature translational stop signal has been observed in individuals with GPIHBP1-related conditions (PMID: 29748148; internal data). In summary, the available evidence is currently insufficient to determine the role of this variant in disease. Therefore, it has been classified as a Variant of Uncertain Significance.

Literature cited by the submitters: PubMed 29748148.